The following is an entry in ClinVar:

ClinVar aggregate classification (germline): Uncertain significance (1 of 4 stars; one submission).

Conditions:
Dyskeratosis congenita. Identifiers: Orphanet 1775, MedGen C0265965, MONDO:0015780.

Submission:

Ambry Genetics
Classification: Uncertain significance for Dyskeratosis congenita. Last evaluated: 2026-08-23. Review status: criteria provided, single submitter. Criteria: Ambry Variant Classification Scheme 2023. Collection method: clinical testing. Allele origin: germline.
Comment: The p.H925R variant (also known as c.2774A>G), located in coding exon 11 of the TERT gene, results from an A to G substitution at nucleotide position 2774. The histidine at codon 925 is replaced by arginine, an amino acid with highly similar properties. This amino acid position is conserved. In addition, the in silico prediction for this alteration is inconclusive. Based on the available evidence, the clinical significance of this variant remains unclear.

NM_198253.3(TERT):c.2774A>G (p.His925Arg)

Gene: TERT (telomerase reverse transcriptase; minus strand). Cytogenetic location: 5p15.33.
Variant type: single nucleotide variant.
Coding change: c.2774A>G on transcript NM_198253.3 (MANE Select); coding-DNA position 2774, A replaced by G.
Protein change: p.His925Arg; replaces histidine 925 with arginine.
Molecular consequence: missense variant. On other transcripts: intron variant (1).
Genome position (GRCh38, 1-based): chr5:1,264,473, T>C on the plus strand (A>G on the coding strand, the complement: TERT is on the minus strand). VCF-style: chr5-1264473-T-C. GRCh37 (hg19) VCF-style: chr5-1264588-T-C.
Other names: c.2654+1991A>G (NM_001193376.3); short protein forms H925R.
Identifiers: ClinVar variation 5030665 (VCV005030665.1).
Genomic context (GRCh38, chr5:1,264,473, plus strand): 5'-TCGCTCTGCACCTCCAGGGTCCGGGTATCCAGCAGCAGGCCGCACCAGGGGAATAGGCCG[T>C]GGGCCGGCATCTGAACAAAAGCCGTGCCACCCAGGGCCTCGTCTTCTACAGGGAAGTTCA-3'
Protein context (NP_937983.2, residues 915-935): GGTAFVQMPA[His925Arg]GLFPWCGLLL